The following is an entry in ClinVar:

NM_002677.5(PMP2):c.182C>T (p.Thr61Ile)

Gene: PMP2 (peripheral myelin protein 2; minus strand). Cytogenetic location: 8q21.13.
Variant type: single nucleotide variant.
Coding change: c.182C>T on transcript NM_002677.5 (MANE Select); coding-DNA position 182, C replaced by T.
Protein change: p.Thr61Ile; replaces threonine 61 with isoleucine.
Molecular consequence: missense variant. On other transcripts: intron variant (1).
Genome position (GRCh38, 1-based): chr8:81,444,881, G>A on the plus strand (C>T on the coding strand, the complement: PMP2 is on the minus strand). VCF-style: chr8-81444881-G-A. GRCh37 (hg19) VCF-style: chr8-82357116-G-A.
Other names: c.74-280C>T (NM_001348381.2); short protein forms T61I.
Identifiers: ClinVar variation 1989348 (VCV001989348.4), dbSNP rs777442516, ClinGen allele CA4791964.

ClinVar aggregate classification (germline): Uncertain significance (1 of 4 stars; one submission).

Allele frequency attached by ClinVar (database versions not stated): ExAC 0.00001; gnomAD 0.00001; gnomAD exomes 0.00001; TOPMed 0.00001.
gnomAD v4.1: 14 of 1,613,462 alleles (0.00087%); highest among the groups gnomAD compares: South Asian, 0.014%; no homozygotes.

Submission:

Labcorp Genetics (formerly Invitae), Labcorp
Classification: Uncertain significance. Last evaluated: 2022-05-03. Review status: criteria provided, single submitter. Criteria: Invitae Variant Classification Sherloc (09022015). Collection method: clinical testing. Allele origin: germline.
Comment: In summary, the available evidence is currently insufficient to determine the role of this variant in disease. Therefore, it has been classified as a Variant of Uncertain Significance. Algorithms developed to predict the effect of missense changes on protein structure and function (SIFT, PolyPhen-2, Align-GVGD) all suggest that this variant is likely to be tolerated. This variant has not been reported in the literature in individuals affected with PMP2-related conditions. This variant is present in population databases (rs777442516, gnomAD 0.01%). This sequence change replaces threonine, which is neutral and polar, with isoleucine, which is neutral and non-polar, at codon 61 of the PMP2 protein (p.Thr61Ile).